The following is an entry in ClinVar:

ClinVar aggregate classification (germline): Uncertain significance (1 of 4 stars; one submission).

Conditions:
Inborn genetic diseases. Identifiers: MedGen C0950123, MeSH D030342.

Submission:

Ambry Genetics
Classification: Uncertain significance for Inborn genetic diseases. Last evaluated: 2022-07-30. Review status: criteria provided, single submitter. Criteria: Ambry Variant Classification Scheme 2023. Collection method: clinical testing. Allele origin: germline.
Comment: The p.Y302C variant (also known as c.905A>G), located in coding exon 8 of the LRRK2 gene, results from an A to G substitution at nucleotide position 905. The tyrosine at codon 302 is replaced by cysteine, an amino acid with highly dissimilar properties. This amino acid position is conserved. In addition, the in silico prediction for this alteration is inconclusive. Since supporting evidence is limited at this time, the clinical significance of this alteration remains unclear.

NM_198578.4(LRRK2):c.905A>G (p.Tyr302Cys)

Gene: LRRK2 (leucine rich repeat kinase 2; plus strand). Cytogenetic location: 12q12.
Variant type: single nucleotide variant.
Coding change: c.905A>G on transcript NM_198578.4 (MANE Select); coding-DNA position 905, A replaced by G.
Protein change: p.Tyr302Cys; replaces tyrosine 302 with cysteine.
Molecular consequence: missense variant.
Genome position (GRCh38, 1-based): chr12:40,249,892, A>G. VCF-style: chr12-40249892-A-G. GRCh37 (hg19) VCF-style: chr12-40643694-A-G.
Other names: short protein forms Y302C.
Identifiers: ClinVar variation 1765617 (VCV001765617.2), dbSNP rs2499492975, ClinGen allele CA384407132.